The following is an entry in ClinVar:

NM_199420.4(POLQ):c.6316A>G (p.Met2106Val)

Gene: POLQ (DNA polymerase theta; minus strand). Cytogenetic location: 3q13.33.
Variant type: single nucleotide variant.
Coding change: c.6316A>G on transcript NM_199420.4 (MANE Select); coding-DNA position 6316, A replaced by G.
Protein change: p.Met2106Val; replaces methionine 2106 with valine.
Molecular consequence: missense variant.
Genome position (GRCh38, 1-based): chr3:121,476,629, T>C on the plus strand (A>G on the coding strand, the complement: POLQ is on the minus strand). VCF-style: chr3-121476629-T-C. GRCh37 (hg19) VCF-style: chr3-121195476-T-C.
Other names: short protein forms M2106V.
Identifiers: ClinVar variation 3308683 (VCV003308683.1).

ClinVar aggregate classification (germline): Uncertain significance (1 of 4 stars; one submission).

Submission:

Ambry Genetics
Classification: Uncertain significance. Last evaluated: 2024-05-16. Review status: criteria provided, single submitter. Criteria: Ambry Variant Classification Scheme 2023. Collection method: clinical testing. Allele origin: germline.
Comment: The p.M2106V variant (also known as c.6316A>G), located in coding exon 20 of the POLQ gene, results from an A to G substitution at nucleotide position 6316. The methionine at codon 2106 is replaced by valine, an amino acid with highly similar properties. This amino acid position is conserved. In addition, this alteration is predicted to be tolerated by in silico analysis. Based on the available evidence, the clinical significance of this variant remains unclear.